The following is an entry in ClinVar:

NM_001292034.3(TAB2):c.577A>G (p.Thr193Ala)

Gene: TAB2 (TGF-beta activated kinase 1 (MAP3K7) binding protein 2; plus strand). Cytogenetic location: 6q25.1.
Variant type: single nucleotide variant.
Coding change: c.577A>G on transcript NM_001292034.3 (MANE Select); coding-DNA position 577, A replaced by G.
Protein change: p.Thr193Ala; replaces threonine 193 with alanine.
Molecular consequence: missense variant.
Genome position (GRCh38, 1-based): chr6:149,378,492, A>G. VCF-style: chr6-149378492-A-G. GRCh37 (hg19) VCF-style: chr6-149699628-A-G.
Other names: c.481A>G, p.Thr161Ala (NM_001292035.3); c.577A>G, p.Thr193Ala (NM_001369506.1, NM_015093.6); short protein forms T161A, T193A.
Identifiers: ClinVar variation 2983470 (VCV002983470.3), dbSNP rs752518088, ClinGen allele CA4041418.

ClinVar aggregate classification (germline): Uncertain significance (1 of 4 stars; one submission).

Allele frequency attached by ClinVar (database versions not stated): ExAC 0.00002.
gnomAD v4.1: 14 of 1,614,214 alleles (0.00087%); highest among the groups gnomAD compares: South Asian, 0.014%; no homozygotes.

Submission:

Labcorp Genetics (formerly Invitae), Labcorp
Classification: Uncertain significance. Last evaluated: 2023-01-20. Review status: criteria provided, single submitter. Criteria: Invitae Variant Classification Sherloc (09022015). Collection method: clinical testing. Allele origin: germline.
Comment: In summary, the available evidence is currently insufficient to determine the role of this variant in disease. Therefore, it has been classified as a Variant of Uncertain Significance. Advanced modeling of protein sequence and biophysical properties (such as structural, functional, and spatial information, amino acid conservation, physicochemical variation, residue mobility, and thermodynamic stability) performed at Invitae indicates that this missense variant is not expected to disrupt TAB2 protein function. This variant has not been reported in the literature in individuals affected with TAB2-related conditions. This variant is present in population databases (rs752518088, gnomAD 0.006%). This sequence change replaces threonine, which is neutral and polar, with alanine, which is neutral and non-polar, at codon 193 of the TAB2 protein (p.Thr193Ala).